The following is an entry in ClinVar:

NM_199242.3(UNC13D):c.1820G>A (p.Arg607Gln)

Gene: UNC13D (unc-13 homolog D; minus strand). Cytogenetic location: 17q25.1.
Variant type: single nucleotide variant.
Coding change: c.1820G>A on transcript NM_199242.3 (MANE Select); coding-DNA position 1820, G replaced by A.
Protein change: p.Arg607Gln; replaces arginine 607 with glutamine.
Molecular consequence: missense variant.
Genome position (GRCh38, 1-based): chr17:75,835,437, C>T on the plus strand (G>A on the coding strand, the complement: UNC13D is on the minus strand). VCF-style: chr17-75835437-C-T. GRCh37 (hg19) VCF-style: chr17-73831518-C-T.
Other names: short protein forms R607Q.
Identifiers: ClinVar variation 1809676 (VCV001809676.3), dbSNP rs377293829, ClinGen allele CA8772794.

ClinVar aggregate classification (germline): Uncertain significance. Review status: criteria provided, multiple submitters, no conflicts (2 of 4 stars). 2 submissions from 2 submitters: Uncertain significance (2). Last evaluated 2025-09-22.

Conditions:
Familial hemophagocytic lymphohistiocytosis 3 (FHL3). Also called: UNC13D-Related Familial Hemophagocytic Lymphohistiocytosis (UNC13D-fHLH). Identifiers: Orphanet 540, MedGen C1837174, MONDO:0012146, OMIM 608898.

gnomAD v4.1: 4 of 1,612,714 alleles (0.00025%); highest among the groups gnomAD compares: East Asian, 0.0022%; no homozygotes.

Submissions (2):

Labcorp Genetics (formerly Invitae), Labcorp
Classification: Uncertain significance for Familial hemophagocytic lymphohistiocytosis 3. Last evaluated: 2025-09-22. Review status: criteria provided, single submitter. Criteria: Invitae Variant Classification Sherloc (09022015). Collection method: clinical testing. Allele origin: germline.
Comment: This sequence change replaces arginine, which is basic and polar, with glutamine, which is neutral and polar, at codon 607 of the UNC13D protein (p.Arg607Gln). This variant is present in population databases (rs377293829, gnomAD 0.0008%). This variant has not been reported in the literature in individuals affected with UNC13D-related conditions. ClinVar contains an entry for this variant (Variation ID: 1809676). Invitae Evidence Modeling of protein sequence and biophysical properties (such as structural, functional, and spatial information, amino acid conservation, physicochemical variation, residue mobility, and thermodynamic stability) indicates that this missense variant is expected to disrupt UNC13D protein function with a positive predictive value of 80%. Algorithms developed to predict the effect of sequence changes on RNA splicing suggest that this variant may create or strengthen a splice site. This variant disrupts the p.Arg607 amino acid residue in UNC13D. Other variant(s) that disrupt this residue have been determined to be pathogenic (PMID: 20823128, 32542393). This suggests that this residue is clinically significant, and that variants that disrupt this residue are likely to be disease-causing. In summary, the available evidence is currently insufficient to determine the role of this variant in disease. Therefore, it has been classified as a Variant of Uncertain Significance.

Dubai Health Genomic Medicine Center, Dubai Health
Classification: Uncertain significance. Last evaluated: 2022-12-17. Review status: criteria provided, single submitter. Criteria: ACMG Guidelines, 2015. Collection method: clinical testing. Allele origin: germline. Affected: yes.

Literature cited by the submitters: PubMed 20823128 (cited by Labcorp Genetics (formerly Invitae), Labcorp); PubMed 32542393 (cited by Labcorp Genetics (formerly Invitae), Labcorp).